The following is an entry in ClinVar:

NM_017721.5(CC2D1A):c.1231C>A (p.Pro411Thr)

Gene: CC2D1A (coiled-coil and C2 domain containing 1A; plus strand). Cytogenetic location: 19p13.12.
Variant type: single nucleotide variant.
Coding change: c.1231C>A on transcript NM_017721.5 (MANE Select); coding-DNA position 1231, C replaced by A.
Protein change: p.Pro411Thr; replaces proline 411 with threonine.
Molecular consequence: missense variant.
Genome position (GRCh38, 1-based): chr19:13,919,826, C>A. VCF-style: chr19-13919826-C-A. GRCh37 (hg19) VCF-style: chr19-14030639-C-A.
Other names: c.1231C>A, p.Pro411Thr (NM_001411138.1); short protein forms P411T.
Identifiers: ClinVar variation 3602942 (VCV003602942.1).
Genomic context (GRCh38, chr19:13,919,826, plus strand): 5'-GAGTTGGTCTCCATCCTGACACACAATAACCAGGCCTCGACTGGCCACCCAGGCTTCCCC[C>A]CAATCCAGGGCCTGGAGGCCACCAAGCCCACCCAGCAGAGTCTGGTGGGTGTCCTGGAGA-3'
Protein context (NP_060191.3, residues 401-421): AELPVPPGFP[Pro411Thr]IQGLEATKPT

ClinVar aggregate classification (germline): Uncertain significance (1 of 4 stars; one submission).

gnomAD v4.1: 20 of 1,602,228 alleles (0.0012%); highest among the groups gnomAD compares: Admixed American, 0.025%; no homozygotes.

Submission:

GeneDx
Classification: Uncertain significance. Last evaluated: 2024-08-09. Review status: criteria provided, single submitter. Criteria: GeneDx Variant Classification Process June 2021. Collection method: clinical testing. Allele origin: germline. Affected: yes.
Comment: In silico analysis supports that this missense variant has a deleterious effect on protein structure/function; In silico analysis is inconclusive as to whether the variant alters gene splicing. In the absence of RNA/functional studies, the actual effect of this sequence change is unknown.; Has not been previously published as pathogenic or benign to our knowledge